The following is an entry in ClinVar:

NM_004415.4(DSP):c.6955G>A (p.Gly2319Ser)

Gene: DSP (desmoplakin; plus strand). Cytogenetic location: 6p24.3.
Variant type: single nucleotide variant.
Coding change: c.6955G>A on transcript NM_004415.4 (MANE Select); coding-DNA position 6955, G replaced by A.
Protein change: p.Gly2319Ser; replaces glycine 2319 with serine.
Molecular consequence: missense variant.
Genome position (GRCh38, 1-based): chr6:7,584,217, G>A. VCF-style: chr6-7584217-G-A. GRCh37 (hg19) VCF-style: chr6-7584450-G-A.
Other names: c.5158G>A, p.Gly1720Ser (NM_001008844.3); c.5626G>A, p.Gly1876Ser (NM_001319034.2); short protein forms G2319S, G1876S, G1720S.
Identifiers: ClinVar variation 2923078 (VCV002923078.5), dbSNP rs1759553676, ClinGen allele CA362691919.

ClinVar aggregate classification (germline): Uncertain significance. Review status: criteria provided, multiple submitters, no conflicts (2 of 4 stars). 2 submissions from 2 submitters: Uncertain significance (2). Last evaluated 2026-04-15.

Conditions:
Arrhythmogenic right ventricular dysplasia 8 (ARVD8). Also called: Arrhythmogenic Right Ventricular Dysplasia/Cardiomyopathy 8; ARRHYTHMOGENIC RIGHT VENTRICULAR DYSPLASIA, FAMILIAL, 8; ARRHYTHMOGENIC RIGHT VENTRICULAR CARDIOMYOPATHY 8. Identifiers: MedGen C1843896, MONDO:0011831, OMIM 607450.
Arrhythmogenic cardiomyopathy with wooly hair and keratoderma. Also called: Arrhythmogenic cardiomyopathy with woolly hair and keratoderma; PALMOPLANTAR KERATODERMA WITH LEFT VENTRICULAR CARDIOMYOPATHY AND WOOLLY HAIR; Carvajal syndrome; Dilated cardiomyopathy with woolly hair and keratoderma. Identifiers: Orphanet 65282, MedGen C1854063, MONDO:0011581, OMIM 605676.

Allele frequency attached by ClinVar (database versions not stated): TOPMed 0.00001.

Submissions (2):

GeneDx
Classification: Uncertain significance. Last evaluated: 2026-04-15. Review status: criteria provided, single submitter. Criteria: GeneDx Variant Classification Process June 2021. Collection method: clinical testing. Allele origin: germline.
Comment: Not observed at significant frequency in large population cohorts (gnomAD); In silico analysis supports that this missense variant has a deleterious effect on protein structure/function; Has not been previously published as pathogenic or benign to our knowledge

Labcorp Genetics (formerly Invitae), Labcorp
Classification: Uncertain significance for Arrhythmogenic cardiomyopathy with wooly hair and keratoderma; Arrhythmogenic right ventricular dysplasia 8. Last evaluated: 2025-03-26. Review status: criteria provided, single submitter. Criteria: Invitae Variant Classification Sherloc (09022015). Collection method: clinical testing. Allele origin: germline.
Comment: This sequence change replaces glycine, which is neutral and non-polar, with serine, which is neutral and polar, at codon 2319 of the DSP protein (p.Gly2319Ser). This variant is not present in population databases (gnomAD no frequency). This variant has not been reported in the literature in individuals affected with DSP-related conditions. ClinVar contains an entry for this variant (Variation ID: 2923078). An algorithm developed to predict the effect of missense changes on protein structure and function (PolyPhen-2) suggests that this variant is likely to be disruptive. In summary, the available evidence is currently insufficient to determine the role of this variant in disease. Therefore, it has been classified as a Variant of Uncertain Significance.